The following is an entry in ClinVar:

ClinVar aggregate classification (germline): Uncertain significance (1 of 4 stars; one submission).

Conditions:
Inborn genetic diseases. Identifiers: MedGen C0950123, MeSH D030342.

gnomAD v4.1: 7 of 1,613,882 alleles (0.00043%); highest among the groups gnomAD compares: Non-Finnish European, 0.00051%; no homozygotes.

Submission:

Ambry Genetics
Classification: Uncertain significance for Inborn genetic diseases. Last evaluated: 2024-11-22. Review status: criteria provided, single submitter. Criteria: Ambry Variant Classification Scheme 2023. Collection method: clinical testing. Allele origin: germline.
Comment: The p.R103C variant (also known as c.307C>T), located in coding exon 3 of the ETV6 gene, results from a C to T substitution at nucleotide position 307. The arginine at codon 103 is replaced by cysteine, an amino acid with highly dissimilar properties. This amino acid position is conserved. In addition, this alteration is predicted to be deleterious by in silico analysis. Based on the available evidence, the clinical significance of this variant remains unclear.

NM_001987.5(ETV6):c.307C>T (p.Arg103Cys)

Genes: ETV6 (ETS variant transcription factor 6; plus strand), LOC126861451 (BRD4-independent group 4 enhancer GRCh37_chr12:11991350-11992549; plus strand). Cytogenetic location: 12p13.2.
Variant type: single nucleotide variant.
Coding change: c.307C>T on transcript NM_001987.5 (MANE Select); coding-DNA position 307, C replaced by T.
Protein change: p.Arg103Cys; replaces arginine 103 with cysteine.
Molecular consequence: missense variant.
Genome position (GRCh38, 1-based): chr12:11,839,283, C>T. VCF-style: chr12-11839283-C-T. GRCh37 (hg19) VCF-style: chr12-11992217-C-T.
Other names: c.304C>T, p.Arg102Cys (NM_001413913.1); c.280C>T, p.Arg94Cys (NM_001413914.1); c.43C>T, p.Arg15Cys (NM_001413915.1); c.307C>T, p.Arg103Cys (NM_001413916.1, NM_001413917.1, NM_001413918.1); short protein forms R103C, R15C, R94C, R102C.
Identifiers: ClinVar variation 3510602 (VCV003510602.1).